The following is an entry in ClinVar:

ClinVar aggregate classification (germline): Conflicting classifications of pathogenicity. Review status: criteria provided, conflicting classifications (1 of 4 stars). 5 submissions from 5 submitters: Uncertain significance (4); Likely benign (1). Last evaluated 2026-08-19.

Conditions:
Cardiovascular phenotype. Identifiers: MedGen CN230736.

Allele frequency attached by ClinVar (database versions not stated): TOPMed 0.00007; gnomAD 0.00007; gnomAD exomes 0.00008; 1000 Genomes Project 30x 0.00016.
gnomAD v4.1: 115 of 1,550,562 alleles (0.0074%); highest among the groups gnomAD compares: African/African-American, 0.0096%; no homozygotes.

Submissions (5):

Ambry Genetics
Classification: Likely benign for Cardiovascular phenotype. Last evaluated: 2026-08-19. Review status: criteria provided, single submitter. Criteria: Ambry Variant Classification Scheme 2023. Collection method: clinical testing. Allele origin: germline.

Women's Health and Genetics/Laboratory Corporation of America, LabCorp
Classification: Uncertain significance. Last evaluated: 2026-05-04. Review status: criteria provided, single submitter. Criteria: LabCorp Variant Classification Summary - May 2015. Collection method: clinical testing. Allele origin: germline.
Comment: Variant summary: ZNF469 c.4594C>T (p.Arg1532Trp) results in a non-conservative amino acid change in the encoded protein sequence. Algorithms developed to predict the effect of missense changes on protein structure and function are either unavailable or do not agree on the potential impact of this missense change. The variant allele was found at a frequency of 6.5e-06 in 153998 control chromosomes. The available data on variant occurrences in the general population are insufficient to allow any conclusion about variant significance. To our knowledge, no occurrence of c.4594C>T in individuals affected with ZNF469-related conditions and no experimental evidence demonstrating its impact on protein function have been reported. ClinVar contains an entry for this variant (Variation ID: 1741124). Based on the evidence outlined above, the variant was classified as uncertain significance.

GeneDx
Classification: Uncertain significance. Last evaluated: 2024-10-07. Review status: criteria provided, single submitter. Criteria: GeneDx Variant Classification Process June 2021. Collection method: clinical testing. Allele origin: germline. Affected: yes.
Comment: Has not been previously published as pathogenic or benign to our knowledge; Not observed at significant frequency in large population cohorts (gnomAD); In silico analysis indicates that this missense variant does not alter protein structure/function

Mayo Clinic Laboratories, Mayo Clinic
Classification: Uncertain significance. Last evaluated: 2023-10-04. Review status: criteria provided, single submitter. Criteria: ACMG Guidelines, 2015. Collection method: clinical testing. Allele origin: germline. Observed: 1 variant allele.
Comment: BP4

Labcorp Genetics (formerly Invitae), Labcorp
Classification: Uncertain significance. Last evaluated: 2022-09-30. Review status: criteria provided, single submitter. Criteria: Invitae Variant Classification Sherloc (09022015). Collection method: clinical testing. Allele origin: germline.
Comment: This sequence change replaces arginine, which is basic and polar, with tryptophan, which is neutral and slightly polar, at codon 1504 of the ZNF469 protein (p.Arg1504Trp). The frequency data for this variant in the population databases is considered unreliable, as metrics indicate poor data quality at this position in the gnomAD database. This variant has not been reported in the literature in individuals affected with ZNF469-related conditions. Algorithms developed to predict the effect of missense changes on protein structure and function are either unavailable or do not agree on the potential impact of this missense change (SIFT: "Deleterious"; PolyPhen-2: "Benign"; Align-GVGD: "Class C0"). In summary, the available evidence is currently insufficient to determine the role of this variant in disease. Therefore, it has been classified as a Variant of Uncertain Significance.

NM_001367624.2(ZNF469):c.4594C>T (p.Arg1532Trp)

Gene: ZNF469 (zinc finger protein 469; plus strand). Cytogenetic location: 16q24.2.
Variant type: single nucleotide variant.
Coding change: c.4594C>T on transcript NM_001367624.2 (MANE Select); coding-DNA position 4594, C replaced by T.
Protein change: p.Arg1532Trp; replaces arginine 1532 with tryptophan.
Molecular consequence: missense variant.
Genome position (GRCh38, 1-based): chr16:88,432,064, C>T. VCF-style: chr16-88432064-C-T. GRCh37 (hg19) VCF-style: chr16-88498472-C-T.
Other names: NM_001127464.1:c.4510C>T; p.Arg1532Trp; short protein forms R1532W.
Identifiers: ClinVar variation 1741124 (VCV001741124.11), dbSNP rs985390037, ClinGen allele CA286376317.